The following is an entry in ClinVar:

ClinVar aggregate classification (germline): Uncertain significance (1 of 4 stars; one submission).

Conditions:
Cardiovascular phenotype. Identifiers: MedGen CN230736.
Hereditary cancer-predisposing syndrome. Also called: Neoplastic Syndromes, Hereditary; Tumor predisposition; Hereditary Cancer Syndrome; Hereditary neoplastic syndrome. Identifiers: Orphanet 140162, MedGen C0027672, MeSH D009386, MONDO:0015356.

Submission:

Ambry Genetics
Classification: Uncertain significance for Cardiovascular phenotype; Hereditary cancer-predisposing syndrome. Last evaluated: 2024-02-08. Review status: criteria provided, single submitter. Criteria: Ambry Variant Classification Scheme 2023. Collection method: clinical testing. Allele origin: germline.
Comment: The p.D1480G variant (also known as c.4439A>G), located in coding exon 33 of the NF1 gene, results from an A to G substitution at nucleotide position 4439. The aspartic acid at codon 1480 is replaced by glycine, an amino acid with similar properties. This amino acid position is highly conserved in available vertebrate species. In addition, this alteration is predicted to be deleterious by in silico analysis. Since supporting evidence is limited at this time, the clinical significance of this alteration remains unclear.

NM_001042492.3(NF1):c.4502A>G (p.Asp1501Gly)

Gene: NF1 (neurofibromin 1; plus strand). Cytogenetic location: 17q11.2.
Variant type: single nucleotide variant.
Coding change: c.4502A>G on transcript NM_001042492.3 (MANE Select); coding-DNA position 4502, A replaced by G.
Protein change: p.Asp1501Gly; replaces aspartic acid 1501 with glycine.
Molecular consequence: missense variant.
Genome position (GRCh38, 1-based): chr17:31,260,440, A>G. VCF-style: chr17-31260440-A-G. GRCh37 (hg19) VCF-style: chr17-29587458-A-G.
Other names: c.4439A>G, p.Asp1480Gly (NM_000267.4); short protein forms D1480G, D1501G.
Identifiers: ClinVar variation 484150 (VCV000484150.6), dbSNP rs1555618835, ClinGen allele CA398999539.